The following is an entry in ClinVar:

NM_032608.7(MYO18B):c.6288-2A>G

Gene: MYO18B (myosin XVIIIB; plus strand). Cytogenetic location: 22q12.1.
Variant type: single nucleotide variant.
Coding change: c.6288-2A>G on transcript NM_032608.7 (MANE Select); the canonical splice acceptor site of the intron before coding-DNA position 6288, A replaced by G.
Molecular consequence: splice acceptor variant.
Genome position (GRCh38, 1-based): chr22:26,003,263, A>G. VCF-style: chr22-26003263-A-G. GRCh37 (hg19) VCF-style: chr22-26399229-A-G.
Other names: c.6291-2A>G (NM_001318245.2).
Identifiers: ClinVar variation 3647671 (VCV003647671.2).

ClinVar aggregate classification (germline): Likely pathogenic (1 of 4 stars; one submission).

gnomAD v4.1: 1 of 1,608,536 alleles (0.000062%); no homozygotes.

Submission:

Labcorp Genetics (formerly Invitae), Labcorp
Classification: Likely pathogenic. Last evaluated: 2024-07-01. Review status: criteria provided, single submitter. Criteria: Invitae Variant Classification Sherloc (09022015). Collection method: clinical testing. Allele origin: germline.
Comment: This sequence change affects an acceptor splice site in intron 40 of the MYO18B gene. It is expected to disrupt RNA splicing. Variants that disrupt the donor or acceptor splice site typically lead to a loss of protein function (PMID: 16199547), and loss-of-function variants in MYO18B are known to be pathogenic (PMID: 25748484, 32184166, 32637634). This variant is not present in population databases (gnomAD no frequency). This variant has not been reported in the literature in individuals affected with MYO18B-related conditions. Algorithms developed to predict the effect of sequence changes on RNA splicing suggest that this variant may disrupt the consensus splice site. In summary, the currently available evidence indicates that the variant is pathogenic, but additional data are needed to prove that conclusively. Therefore, this variant has been classified as Likely Pathogenic.

Literature cited by the submitters: PubMed 16199547; PubMed 25748484; PubMed 32184166; PubMed 32637634.